The following is an entry in ClinVar:

NM_197968.4(ZMYM2):c.3014A>G (p.Asp1005Gly)

Gene: ZMYM2 (zinc finger MYM-type containing 2; plus strand). Cytogenetic location: 13q12.11.
Variant type: single nucleotide variant.
Coding change: c.3014A>G on transcript NM_197968.4 (MANE Select); coding-DNA position 3014, A replaced by G.
Protein change: p.Asp1005Gly; replaces aspartic acid 1005 with glycine.
Molecular consequence: missense variant. On other transcripts: non-coding transcript variant (1).
Genome position (GRCh38, 1-based): chr13:20,062,948, A>G. VCF-style: chr13-20062948-A-G. GRCh37 (hg19) VCF-style: chr13-20637088-A-G.
Other names: c.3014A>G, p.Asp1005Gly (NM_001190964.4, NM_001190965.4, NM_001353157.2 and 5 more transcripts); c.2819A>G, p.Asp940Gly (NM_001353161.3); c.2753A>G, p.Asp918Gly (NM_001353163.2); short protein forms D1005G, D918G, D940G.
Identifiers: ClinVar variation 4532632 (VCV004532632.2).

ClinVar aggregate classification (germline): Uncertain significance. Review status: criteria provided, multiple submitters, no conflicts (2 of 4 stars). 2 submissions from 2 submitters: Uncertain significance (2). Last evaluated 2025-07-21.

gnomAD v4.1: 2 of 1,602,912 alleles (0.00012%); highest among the groups gnomAD compares: South Asian, 0.0011%; no homozygotes.

Submissions (2):

Labcorp Genetics (formerly Invitae), Labcorp
Classification: Uncertain significance. Last evaluated: 2025-07-21. Review status: criteria provided, single submitter. Criteria: Invitae Variant Classification Sherloc (09022015). Collection method: clinical testing. Allele origin: germline.
Comment: This sequence change replaces aspartic acid, which is acidic and polar, with glycine, which is neutral and non-polar, at codon 1005 of the ZMYM2 protein (p.Asp1005Gly). This variant is not present in population databases (gnomAD no frequency). This variant has not been reported in the literature in individuals affected with ZMYM2-related conditions. An algorithm developed to predict the effect of missense changes on protein structure and function (PolyPhen-2) suggests that this variant is likely to be disruptive. In summary, the available evidence is currently insufficient to determine the role of this variant in disease. Therefore, it has been classified as a Variant of Uncertain Significance.

GeneDx
Classification: Uncertain significance. Last evaluated: 2025-05-30. Review status: criteria provided, single submitter. Criteria: GeneDx Variant Classification Process June 2021. Collection method: clinical testing. Allele origin: germline. Affected: yes.
Comment: Not observed at significant frequency in large population cohorts (gnomAD); In silico analysis supports that this missense variant has a deleterious effect on protein structure/function; In silico analysis suggests this variant may impact gene splicing. In the absence of RNA/functional studies, the actual effect of this sequence change is unknown.; Has not been previously published as pathogenic or benign to our knowledge